The following is an entry in ClinVar:

ClinVar aggregate classification (germline): Pathogenic (1 of 4 stars; one submission).

Submission:

GeneDx
Classification: Pathogenic. Last evaluated: 2018-12-04. Review status: criteria provided, single submitter. Criteria: GeneDx Variant Classification (06012015). Collection method: clinical testing. Allele origin: germline. Affected: yes.
Comment: The c.2349delC variant in the CHD7 gene has not been reported previously as a pathogenic variant nor as a benign variant, to our knowledge. The c.2349delC variant causes a frameshift starting with codon Serine 784, changes this amino acid to a Proline residue, and creates a premature Stop codon at position 19 of the new reading frame, denoted p.Ser784ProfsX19. This variant is predicted to cause loss of normal protein function either through protein truncation or nonsense-mediated mRNA decay. The c.2349delC variant is not observed in large population cohorts (Lek et al., 2016). We interpret c.2349delC as a pathogenic variant.

NM_017780.4(CHD7):c.2349del (p.Ser784fs)

Gene: CHD7 (chromodomain helicase DNA binding protein 7; plus strand). Cytogenetic location: 8q12.2.
Variant type: Deletion.
Coding change: c.2349del on transcript NM_017780.4 (MANE Select); coding-DNA position 2349, one base deleted (C; older notation c.2349delC).
Protein change: p.Ser784fs; shifts the reading frame from serine 784.
Molecular consequence: frameshift variant. On other transcripts: intron variant (1).
Genome position (GRCh38, 1-based): chr8:60,800,498, C deleted; the last of 5 consecutive C bases (chr8:60,800,494-60,800,498); deleting any one gives the same sequence. VCF-style (leftmost placement, unchanged base first): chr8-60800493-TC-T. GRCh37 (hg19) VCF-style: chr8-61713052-TC-T.
Other names: c.1716+19448del (NM_001316690.1); short protein forms S784fs.
Identifiers: ClinVar variation 817911 (VCV000817911.1), dbSNP rs1586350990, ClinGen allele CA915945711.